The following is an entry in ClinVar:

ClinVar aggregate classification (germline): Uncertain significance (1 of 4 stars; one submission).

Conditions:
Inborn genetic diseases. Identifiers: MedGen C0950123, MeSH D030342.

Submission:

Ambry Genetics
Classification: Uncertain significance for Inborn genetic diseases. Last evaluated: 2023-09-05. Review status: criteria provided, single submitter. Criteria: Ambry Variant Classification Scheme 2023. Collection method: clinical testing. Allele origin: germline.
Comment: The p.M370I variant (also known as c.1110G>A), located in coding exon 9 of the EPAS1 gene, results from a G to A substitution at nucleotide position 1110. The methionine at codon 370 is replaced by isoleucine, an amino acid with highly similar properties. This amino acid position is conserved. In addition, the in silico prediction for this alteration is inconclusive. Since supporting evidence is limited at this time, the clinical significance of this alteration remains unclear.

NM_001430.5(EPAS1):c.1110G>A (p.Met370Ile)

Gene: EPAS1 (endothelial PAS domain protein 1; plus strand). Cytogenetic location: 2p21.
Variant type: single nucleotide variant.
Coding change: c.1110G>A on transcript NM_001430.5 (MANE Select); coding-DNA position 1110, G replaced by A.
Protein change: p.Met370Ile; replaces methionine 370 with isoleucine.
Molecular consequence: missense variant.
Genome position (GRCh38, 1-based): chr2:46,376,614, G>A. VCF-style: chr2-46376614-G-A. GRCh37 (hg19) VCF-style: chr2-46603753-G-A.
Other names: short protein forms M370I.
Identifiers: ClinVar variation 2626666 (VCV002626666.2), dbSNP rs2546471371, ClinGen allele CA346703200.